The following is an entry in ClinVar:

NM_006231.4(POLE):c.364A>G (p.Lys122Glu)

Gene: POLE (DNA polymerase epsilon, catalytic subunit; minus strand). Cytogenetic location: 12q24.33.
Variant type: single nucleotide variant.
Coding change: c.364A>G on transcript NM_006231.4 (MANE Select); coding-DNA position 364, A replaced by G.
Protein change: p.Lys122Glu; replaces lysine 122 with glutamic acid.
Molecular consequence: missense variant.
Genome position (GRCh38, 1-based): chr12:132,680,013, T>C on the plus strand (A>G on the coding strand, the complement: POLE is on the minus strand). VCF-style: chr12-132680013-T-C. GRCh37 (hg19) VCF-style: chr12-133256599-T-C.
Other names: short protein forms K122E.
Identifiers: ClinVar variation 3225442 (VCV003225442.2), dbSNP rs749266112, ClinGen allele CA387368165.

ClinVar aggregate classification (germline): Uncertain significance. Review status: criteria provided, multiple submitters, no conflicts (2 of 4 stars). 2 submissions from 2 submitters: Uncertain significance (2). Last evaluated 2025-10-13.

Conditions:
Hereditary cancer-predisposing syndrome. Also called: Neoplastic Syndromes, Hereditary; Tumor predisposition; Hereditary neoplastic syndrome; Hereditary Cancer Syndrome. Identifiers: Orphanet 140162, MedGen C0027672, MeSH D009386, MONDO:0015356.

Submissions (2):

Labcorp Genetics (formerly Invitae), Labcorp
Classification: Uncertain significance. Last evaluated: 2025-10-13. Review status: criteria provided, single submitter. Criteria: Invitae Variant Classification Sherloc (09022015). Collection method: clinical testing. Allele origin: germline.
Comment: This sequence change replaces lysine, which is basic and polar, with glutamic acid, which is acidic and polar, at codon 122 of the POLE protein (p.Lys122Glu). This variant is not present in population databases (gnomAD no frequency). This variant has not been reported in the literature in individuals affected with POLE-related conditions. ClinVar contains an entry for this variant (Variation ID: 3225442). Invitae Evidence Modeling of protein sequence and biophysical properties (such as structural, functional, and spatial information, amino acid conservation, physicochemical variation, residue mobility, and thermodynamic stability) indicates that this missense variant is expected to disrupt POLE protein function with a positive predictive value of 80%. In summary, the available evidence is currently insufficient to determine the role of this variant in disease. Therefore, it has been classified as a Variant of Uncertain Significance.

Ambry Genetics
Classification: Uncertain significance for Hereditary cancer-predisposing syndrome. Last evaluated: 2023-12-24. Review status: criteria provided, single submitter. Criteria: Ambry Variant Classification Scheme 2023. Collection method: clinical testing. Allele origin: germline.
Comment: The p.K122E variant (also known as c.364A>G), located in coding exon 5 of the POLE gene, results from an A to G substitution at nucleotide position 364. The lysine at codon 122 is replaced by glutamic acid, an amino acid with similar properties. This amino acid position is conserved. In addition, this alteration is predicted to be tolerated by in silico analysis. Since supporting evidence is limited at this time, the clinical significance of this alteration remains unclear.